The following is an entry in ClinVar:

NM_022827.4(SPATA20):c.1422C>T (p.Thr474=)

Gene: SPATA20 (spermatogenesis associated 20; plus strand). Cytogenetic location: 17q21.33.
Variant type: single nucleotide variant.
Coding change: c.1422C>T on transcript NM_022827.4 (MANE Select); coding-DNA position 1422, C replaced by T.
Protein change: p.Thr474=; no amino-acid change (threonine 474 retained).
Molecular consequence: synonymous variant.
Genome position (GRCh38, 1-based): chr17:50,551,036, C>T. VCF-style: chr17-50551036-C-T. GRCh37 (hg19) VCF-style: chr17-48628397-C-T.
Other names: c.1242C>T, p.Thr414= (NM_001258373.2); c.1374C>T, p.Thr458= (NM_001258372.2).
Identifiers: ClinVar variation 4872857 (VCV004872857.2).

ClinVar aggregate classification (germline): Likely benign (1 of 4 stars; one submission).

Submission:

CeGaT Center for Human Genetics Tuebingen
Classification: Likely benign. Last evaluated: 2026-04-01. Review status: criteria provided, single submitter. Criteria: CeGaT Center For Human Genetics Tuebingen Variant Classification Criteria Version 2. Collection method: clinical testing. Allele origin: germline. Affected: yes. Observed: 1 variant allele.
Comment: SPATA20: BP4, BP7